The following is an entry in ClinVar:

ClinVar aggregate classification (germline): Likely pathogenic (1 of 4 stars; one submission).

Conditions:
Dilated cardiomyopathy 1G (CMD1G). Identifiers: Orphanet 154, MedGen C1858763, MONDO:0011400, OMIM 604145.
Autosomal recessive limb-girdle muscular dystrophy type 2J (LGMDR10). Also called: Limb-girdle muscular dystrophy, type 2J; MUSCULAR DYSTROPHY, LIMB-GIRDLE, AUTOSOMAL RECESSIVE 10. Identifiers: Orphanet 140922, MedGen C1837342, MONDO:0012127, OMIM 608807.

Submission:

Labcorp Genetics (formerly Invitae), Labcorp
Classification: Likely pathogenic for Dilated cardiomyopathy 1G; Autosomal recessive limb-girdle muscular dystrophy type 2J. Last evaluated: 2024-10-30. Review status: criteria provided, single submitter. Criteria: Invitae Variant Classification Sherloc (09022015). Collection method: clinical testing. Allele origin: germline.
Comment: This sequence change creates a premature translational stop signal (p.Lys13806Argfs*3) in the TTN gene. While this is not anticipated to result in nonsense mediated decay, it is expected to create a truncated TTN protein. This variant is not present in population databases (gnomAD no frequency). This variant has not been reported in the literature in individuals affected with TTN-related conditions. This variant is located in the I band of TTN (PMID: 25589632). Truncating variants in this region have been reported in individuals affected with autosomal recessive centronuclear myopathy (PMID: 23975875, internal data). Truncating variants in this region have also been identified in individuals affected with autosomal dominant dilated cardiomyopathy and/or cardio-related conditions (PMID: 27869827, 32964742, internal data). In summary, the currently available evidence indicates that the variant is pathogenic, but additional data are needed to prove that conclusively. Therefore, this variant has been classified as Likely Pathogenic.

Literature cited by the submitters: PubMed 25589632; PubMed 23975875; PubMed 27869827; PubMed 32964742.

NM_001267550.2(TTN):c.41417_41418del (p.Lys13806fs)

Gene: TTN (titin; minus strand). Cytogenetic location: 2q31.2.
Variant type: Deletion.
Coding change: c.41417_41418del on transcript NM_001267550.2 (MANE Select); coding-DNA positions 41417 to 41418, 2 bases deleted (AA; older notation c.41417_41418delAA).
Protein change: p.Lys13806fs; shifts the reading frame from lysine 13806.
Molecular consequence: frameshift variant.
Genome position (GRCh38, 1-based): chr2:178,636,153-178,636,154, TT deleted on the plus strand (AA on the coding strand, the reverse complement: TTN is on the minus strand); deleting any 2 consecutive bases within chr2:178,636,153-178,636,155 gives the same sequence; the c. name uses the placement nearest the transcript's 3' end. VCF-style (leftmost placement, unchanged base first): chr2-178636152-CTT-C. GRCh37 (hg19) VCF-style: chr2-179500879-CTT-C.
Other names: c.36494_36495del, p.Lys12165fs (NM_001256850.1); c.14222_14223del, p.Lys4741fs (NM_003319.4); c.33713_33714del, p.Lys11238fs (NM_133378.4); c.14597_14598del, p.Lys4866fs (NM_133432.3); c.14798_14799del, p.Lys4933fs (NM_133437.4); short protein forms K11238fs, K12165fs, K13806fs, K4741fs, K4866fs, K4933fs.
Identifiers: ClinVar variation 3759517 (VCV003759517.2).